The following is an entry in ClinVar:

ClinVar aggregate classification (germline): Uncertain significance (1 of 4 stars; one submission).

Allele frequency attached by ClinVar (database versions not stated): gnomAD exomes 0.00002; TOPMed 0.00003; gnomAD 0.00004.
gnomAD v4.1: 30 of 1,456,608 alleles (0.0021%); highest among the groups gnomAD compares: African/African-American, 0.0029%; no homozygotes.

Submission:

Labcorp Genetics (formerly Invitae), Labcorp
Classification: Uncertain significance. Last evaluated: 2023-07-30. Review status: criteria provided, single submitter. Criteria: Invitae Variant Classification Sherloc (09022015). Collection method: clinical testing. Allele origin: germline.
Comment: In summary, the available evidence is currently insufficient to determine the role of this variant in disease. Therefore, it has been classified as a Variant of Uncertain Significance. An algorithm developed to predict the effect of missense changes on protein structure and function (PolyPhen-2) suggests that this variant is likely to be disruptive. This variant has not been reported in the literature in individuals affected with TNS2-related conditions. The frequency data for this variant in the population databases is considered unreliable, as metrics indicate poor data quality at this position in the gnomAD database. This sequence change replaces glycine, which is neutral and non-polar, with arginine, which is basic and polar, at codon 589 of the TNS2 protein (p.Gly589Arg).

NM_170754.4(TNS2):c.1735G>A (p.Gly579Arg)

Gene: TNS2 (tensin 2; plus strand). Cytogenetic location: 12q13.13.
Variant type: single nucleotide variant.
Coding change: c.1735G>A on transcript NM_170754.4 (MANE Select); coding-DNA position 1735, G replaced by A.
Protein change: p.Gly579Arg; replaces glycine 579 with arginine.
Molecular consequence: missense variant.
Genome position (GRCh38, 1-based): chr12:53,059,376, G>A. VCF-style: chr12-53059376-G-A. GRCh37 (hg19) VCF-style: chr12-53453160-G-A.
Other names: c.1762G>A, p.Gly588Arg (NM_001416204.1); c.1666G>A, p.Gly556Arg (NM_015319.3); c.1363G>A, p.Gly455Arg (NM_198316.2); c.1735G>A, p.Gly579Arg (NM_001416202.1); c.1693G>A, p.Gly565Arg (NM_001416203.1); short protein forms G455R, G565R, G588R, G556R, G579R.
Identifiers: ClinVar variation 2972475 (VCV002972475.3), dbSNP rs1268843087, ClinGen allele CA385010747.
Genomic context (GRCh38, chr12:53,059,376, plus strand): 5'-CGCGAGACGGCCATCCTAGATGACGAAGAGCAGCCCACTGTGGGCGGAGGCCCCCACCTC[G>A]GAGTGTATCCAGGCCATAGGCCTGGCCTCAGCCGCCACTGCTCCTGCCGCCAGGGCTACC-3'
Protein context (NP_736610.2, residues 569-589): QPTVGGGPHL[Gly579Arg]VYPGHRPGLS